The following is an entry in ClinVar:

ClinVar aggregate classification (germline): Benign/Likely benign. Review status: criteria provided, multiple submitters, no conflicts (2 of 4 stars). 6 submissions from 6 submitters: Benign (1); Likely benign (4). 1 of the submissions does not count toward it. Last evaluated 2026-01-19.

Conditions:
Cardiovascular phenotype. Identifiers: MedGen CN230736.
SOS2-related disorder. Also called: SOS2-related condition.
Noonan syndrome 9 (NS9). Identifiers: Orphanet 648, MedGen C4225282, MONDO:0014691, OMIM 616559.

Allele frequency attached by ClinVar (database versions not stated): gnomAD 0.00004; TOPMed 0.00007.
gnomAD v4.1: 45 of 1,613,720 alleles (0.0028%); highest among the groups gnomAD compares: Admixed American, 0.068%; no homozygotes.

Submissions (6):

Labcorp Genetics (formerly Invitae), Labcorp
Classification: Likely benign for Noonan syndrome 9. Last evaluated: 2026-01-19. Review status: criteria provided, single submitter. Criteria: Invitae Variant Classification Sherloc (09022015). Collection method: clinical testing. Allele origin: germline.

CeGaT Center for Human Genetics Tuebingen
Classification: Likely benign. Last evaluated: 2026-01-01. Review status: criteria provided, single submitter. Criteria: CeGaT Center For Human Genetics Tuebingen Variant Classification Criteria Version 2. Collection method: clinical testing. Allele origin: germline. Affected: yes. Observed: 1 variant allele.
Comment: SOS2: BP4

Ambry Genetics
Classification: Likely benign for Cardiovascular phenotype. Last evaluated: 2021-10-29. Review status: criteria provided, single submitter. Criteria: Ambry Variant Classification Scheme 2023. Collection method: clinical testing. Allele origin: germline.

GeneDx
Classification: Benign. Last evaluated: 2021-07-03. Review status: criteria provided, single submitter. Criteria: GeneDx Variant Classification Process June 2021. Collection method: clinical testing. Allele origin: germline. Affected: yes.

Genome-Nilou Lab
Classification: Likely benign for Noonan syndrome 9. Review status: criteria provided, single submitter. Criteria: ACMG Guidelines, 2015. Collection method: clinical testing. Allele origin: germline.

PreventionGenetics, part of Exact Sciences
Classification: Likely benign for SOS2-related condition. Last evaluated: 2019-09-06. Review status: no assertion criteria provided. Collection method: clinical testing. Allele origin: germline. Not counted in ClinVar's aggregate classification.
Comment: This variant is classified as likely benign based on ACMG/AMP sequence variant interpretation guidelines (Richards et al. 2015 PMID: 25741868, with internal and published modifications).

NM_006939.4(SOS2):c.2220A>C (p.Gln740His)

Gene: SOS2 (SOS Ras/Rho guanine nucleotide exchange factor 2; minus strand). Cytogenetic location: 14q21.3.
Variant type: single nucleotide variant.
Coding change: c.2220A>C on transcript NM_006939.4 (MANE Select); coding-DNA position 2220, A replaced by C.
Protein change: p.Gln740His; replaces glutamine 740 with histidine.
Molecular consequence: missense variant.
Genome position (GRCh38, 1-based): chr14:50,150,172, T>G on the plus strand (A>C on the coding strand, the complement: SOS2 is on the minus strand). VCF-style: chr14-50150172-T-G. GRCh37 (hg19) VCF-style: chr14-50616890-T-G.
Other names: c.2220A>C (NM_006939.3); short protein forms Q740H.
Identifiers: ClinVar variation 1148491 (VCV001148491.19), dbSNP rs576277421, ClinGen allele CA7177088.